The following is an entry in ClinVar:

ClinVar aggregate classification (germline): Uncertain significance (1 of 4 stars; one submission).

Conditions:
Inborn genetic diseases. Identifiers: MedGen C0950123, MeSH D030342.

Submission:

Ambry Genetics
Classification: Uncertain significance for Inborn genetic diseases. Last evaluated: 2026-06-17. Review status: criteria provided, single submitter. Criteria: Ambry Variant Classification Scheme 2023. Collection method: clinical testing. Allele origin: germline.
Comment: The c.3851G>T (p.S1284I) alteration is located in exon 24 (coding exon 24) of the CAD gene. This alteration results from a G to T substitution at nucleotide position 3851, causing the serine (S) at amino acid position 1284 to be replaced by an isoleucine (I). Based on data from gnomAD, the T allele has an overall frequency of <0.001% (1/251132) total alleles studied. The highest observed frequency was 0.001% (1/113486) of European (non-Finnish) alleles. Based on insufficient or conflicting evidence, the clinical significance of this alteration remains unclear.

NM_004341.5(CAD):c.3851G>T (p.Ser1284Ile)

Gene: CAD (carbamoyl-phosphate synthetase 2, aspartate transcarbamylase, and dihydroorotase; plus strand). Cytogenetic location: 2p23.3.
Variant type: single nucleotide variant.
Coding change: c.3851G>T on transcript NM_004341.5 (MANE Select); coding-DNA position 3851, G replaced by T.
Protein change: p.Ser1284Ile; replaces serine 1284 with isoleucine.
Molecular consequence: missense variant.
Genome position (GRCh38, 1-based): chr2:27,235,309, G>T. VCF-style: chr2-27235309-G-T. GRCh37 (hg19) VCF-style: chr2-27458177-G-T.
Other names: c.3662G>T, p.Ser1221Ile (NM_001306079.2); short protein forms S1221I, S1284I.
Identifiers: ClinVar variation 5033655 (VCV005033655.1).